The following is an entry in ClinVar:

ClinVar aggregate classification (germline): Pathogenic (1 of 4 stars; one submission).

Submission:

Athena Diagnostics
Classification: Pathogenic. Last evaluated: 2021-02-16. Review status: criteria provided, single submitter. Criteria: Athena Diagnostics criteria. Collection method: clinical testing. Allele origin: unknown.
Comment: This variant is expected to result in the loss of a functional protein. This variant has not been reported in large, multi-ethnic general populations. This variant has been identified in at least one individual with clinical features associated with this gene.

NM_001371279.1(REEP1):c.450dup (p.Phe151fs)

Gene: REEP1 (receptor accessory protein 1; minus strand). Cytogenetic location: 2p11.2.
Variant type: Duplication.
Coding change: c.450dup on transcript NM_001371279.1 (MANE Select); coding-DNA position 450, one base duplicated (C; older notation c.450dupC).
Protein change: p.Phe151fs; shifts the reading frame from phenylalanine 151.
Molecular consequence: frameshift variant. On other transcripts: intron variant (1).
Genome position (GRCh38, 1-based): chr2:86,232,770, G duplicated on the plus strand (C on the coding strand, the reverse complement: REEP1 is on the minus strand). VCF-style (leftmost placement, unchanged base first): chr2-86232769-A-AG. GRCh37 (hg19) VCF-style: chr2-86459892-A-AG.
Other names: c.471dup, p.Phe158fs (NM_001164730.2); c.369dup, p.Phe124fs (NM_001164731.2); c.215dup, p.Ser73fs (NM_001164732.2); c.450dup, p.Phe151fs (NM_022912.3); c.418-15660dup (NM_001371280.1); short protein forms F124fs, F151fs, F158fs, S73fs.
Identifiers: ClinVar variation 1256311 (VCV001256311.1), dbSNP rs2104054109, ClinGen allele CA2499216287.